The following is an entry in ClinVar:

NM_145207.3(AFG2A):c.545C>T (p.Thr182Ile)

Gene: AFG2A (AFG2 AAA ATPase homolog A; plus strand). Cytogenetic location: 4q28.1.
Variant type: single nucleotide variant.
Coding change: c.545C>T on transcript NM_145207.3 (MANE Select); coding-DNA position 545, C replaced by T.
Protein change: p.Thr182Ile; replaces threonine 182 with isoleucine.
Molecular consequence: missense variant.
Genome position (GRCh38, 1-based): chr4:122,934,136, C>T. VCF-style: chr4-122934136-C-T. GRCh37 (hg19) VCF-style: chr4-123855291-C-T.
Other names: c.542C>T, p.Thr181Ile (NM_001317799.2, NM_001345856.2); short protein forms T181I, T182I.
Identifiers: ClinVar variation 1803532 (VCV001803532.3), dbSNP rs752230235, ClinGen allele CA3070268.
Genomic context (GRCh38, chr4:122,934,136, plus strand): 5'-ATTTAATATACTGTTTTCTAGATGGCAAGATTGTTTTACCAGGCAACTTTCTGTATTGTA[C>T]ATTCTATGGACGACCGTACAAGCTGCAAGTATTGCGAGTGAAAGGGGCAGATGGCATGAT-3'
Protein context (NP_660208.2, residues 172-192): IVLPGNFLYC[Thr182Ile]FYGRPYKLQV

ClinVar aggregate classification (germline): Uncertain significance. Review status: criteria provided, multiple submitters, no conflicts (2 of 4 stars). 2 submissions from 2 submitters: Uncertain significance (2). Last evaluated 2022-06-09.

Conditions:
Microcephaly-intellectual disability-sensorineural hearing loss-epilepsy-abnormal muscle tone syndrome (NEDHSB). Also called: NEURODEVELOPMENTAL DISORDER WITH HEARING LOSS, SEIZURES, AND BRAIN ABNORMALITIES. Identifiers: Orphanet 457351, MedGen C4225276, MONDO:0014698, OMIM 616577.

Allele frequency attached by ClinVar (database versions not stated): gnomAD exomes 0.00002; TOPMed 0.00002; ExAC 0.00003; gnomAD 0.00003.
gnomAD v4.1: 38 of 1,612,902 alleles (0.0024%); highest among the groups gnomAD compares: South Asian, 0.011%; no homozygotes.

Submissions (2):

GeneDx
Classification: Uncertain significance. Last evaluated: 2022-06-09. Review status: criteria provided, single submitter. Criteria: GeneDx Variant Classification Process June 2021. Collection method: clinical testing. Allele origin: germline. Affected: yes.
Comment: Not observed at significant frequency in large population cohorts (gnomAD); In silico analysis supports that this missense variant does not alter protein structure/function; Has not been previously published as pathogenic or benign to our knowledge

Labcorp Genetics (formerly Invitae), Labcorp
Classification: Uncertain significance for Microcephaly-intellectual disability-sensorineural hearing loss-epilepsy-abnormal muscle tone syndrome. Last evaluated: 2022-05-18. Review status: criteria provided, single submitter. Criteria: Invitae Variant Classification Sherloc (09022015). Collection method: clinical testing. Allele origin: germline.
Comment: This sequence change replaces threonine, which is neutral and polar, with isoleucine, which is neutral and non-polar, at codon 182 of the SPATA5 protein (p.Thr182Ile). This variant is present in population databases (rs752230235, gnomAD 0.01%). This variant has not been reported in the literature in individuals affected with SPATA5-related conditions. Advanced modeling of protein sequence and biophysical properties (such as structural, functional, and spatial information, amino acid conservation, physicochemical variation, residue mobility, and thermodynamic stability) performed at Invitae indicates that this missense variant is expected to disrupt SPATA5 protein function. In summary, the available evidence is currently insufficient to determine the role of this variant in disease. Therefore, it has been classified as a Variant of Uncertain Significance.